The following is an entry in ClinVar:

ClinVar aggregate classification (germline): Pathogenic/Likely pathogenic. Review status: criteria provided, multiple submitters, no conflicts (2 of 4 stars). 6 submissions from 6 submitters: Pathogenic (3); Likely pathogenic (3). Last evaluated 2025-09-21.

Conditions:
Mucopolysaccharidosis, MPS-IV-A (MPS4A). Also called: MORQUIO SYNDROME A; MPS IVA; GALACTOSAMINE-6-SULFATASE DEFICIENCY; GALNS DEFICIENCY; MORQUIO A DISEASE; mucopolysaccharidosis type 4A. Identifiers: Orphanet 309297, Orphanet 582, MedGen C0086651, MONDO:0009659, OMIM 253000.

Allele frequency attached by ClinVar (database versions not stated): gnomAD 0.00001; gnomAD exomes 0.00002.
gnomAD v4.1: 25 of 1,613,480 alleles (0.0015%); highest among the groups gnomAD compares: Non-Finnish European, 0.0019%; no homozygotes.

Submissions (6):

Labcorp Genetics (formerly Invitae), Labcorp
Classification: Pathogenic for Mucopolysaccharidosis, MPS-IV-A. Last evaluated: 2025-09-21. Review status: criteria provided, single submitter. Criteria: Invitae Variant Classification Sherloc (09022015). Collection method: clinical testing. Allele origin: germline.
Comment: This sequence change replaces arginine, which is basic and polar, with cysteine, which is neutral and slightly polar, at codon 94 of the GALNS protein (p.Arg94Cys). This variant is present in population databases (no rsID available, gnomAD 0.01%). This missense change has been observed in individuals with mucopolysaccharidosis type IVa (PMID: 10814710, 23876334, 29731656). ClinVar contains an entry for this variant (Variation ID: 651205). Invitae Evidence Modeling of protein sequence and biophysical properties (such as structural, functional, and spatial information, amino acid conservation, physicochemical variation, residue mobility, and thermodynamic stability) indicates that this missense variant is expected to disrupt GALNS protein function with a positive predictive value of 95%. Experimental studies have shown that this missense change affects GALNS function (PMID: 7795586, 10814710). This variant disrupts the p.Arg94 amino acid residue in GALNS. Other variant(s) that disrupt this residue have been observed in individuals with GALNS-related conditions (PMID: 7795586, 9298823, 10814710, 23876334, 29731656), which suggests that this may be a clinically significant amino acid residue. For these reasons, this variant has been classified as Pathogenic.

GeneDx
Classification: Pathogenic. Last evaluated: 2025-02-11. Review status: criteria provided, single submitter. Criteria: GeneDx Variant Classification Process June 2021. Collection method: clinical testing. Allele origin: germline. Affected: yes.
Comment: Published functional studies demonstrate a damaging effect on enzyme activity (PMID: 8826435); In silico analysis supports that this missense variant has a deleterious effect on protein structure/function; Not observed at significant frequency in large population cohorts (gnomAD); This variant is associated with the following publications: (PMID: 25501214, 34542925, 22940367, 25287660, 7795586, 34387910, 29731656, 25545067, 24726177, 23876334, 16287098, 9375852, 31188588, 33728253, 37106005, 8826435, 30094185)

Fulgent Genetics
Classification: Likely pathogenic for Mucopolysaccharidosis, MPS-IV-A. Last evaluated: 2024-05-07. Review status: criteria provided, single submitter. Criteria: ACMG Guidelines, 2015. Collection method: clinical testing. Allele origin: germline.

Genome-Nilou Lab
Classification: Likely pathogenic for Mucopolysaccharidosis, MPS-IV-A. Last evaluated: 2021-11-07. Review status: criteria provided, single submitter. Criteria: ACMG Guidelines, 2015. Collection method: clinical testing. Allele origin: germline. Affected: no.

Revvity Omics, Revvity
Classification: Pathogenic for Mucopolysaccharidosis, MPS-IV-A. Last evaluated: 2021-09-16. Review status: criteria provided, single submitter. Criteria: ACMG Guidelines, 2015. Collection method: clinical testing. Allele origin: germline.

Laboratory of Diagnosis and Therapy of Lysosomal Disorders, University of Padova
Classification: Likely pathogenic for Mucopolysaccharidosis, MPS-IV-A. Last evaluated: 2021-02-01. Review status: criteria provided, single submitter. Criteria: ACMG Guidelines, 2015. Collection method: research. Allele origin: germline. Affected: yes.
Comment: In vitro and vivo functional studies supportive of a damaging effect on the gene product (low to null enzymatic activity in homozygotes; low to null in vitro enzymatic activity; PS3_moderate); the prevalence of the variant in affected individuals is significantly increased compared with the prevalence in controls (PS4_strong); very low frequency in gnomAD v2.1.1 (PM2_moderate); multiple lines of computational evidence support a deleterious effect on the gene (PP3_supporting)

Literature cited by the submitters: PubMed 10814710 (cited by Labcorp Genetics (formerly Invitae), Labcorp); PubMed 23876334 (cited by Labcorp Genetics (formerly Invitae), Labcorp and Laboratory of Diagnosis and Therapy of Lysosomal Disorders, University of Padova); PubMed 29731656 (cited by Labcorp Genetics (formerly Invitae), Labcorp and Laboratory of Diagnosis and Therapy of Lysosomal Disorders, University of Padova); PubMed 7795586 (cited by Labcorp Genetics (formerly Invitae), Labcorp and Laboratory of Diagnosis and Therapy of Lysosomal Disorders, University of Padova); PubMed 9298823 (cited by Labcorp Genetics (formerly Invitae), Labcorp); PubMed 16287098 (cited by Laboratory of Diagnosis and Therapy of Lysosomal Disorders, University of Padova); PubMed 24726177 (cited by Laboratory of Diagnosis and Therapy of Lysosomal Disorders, University of Padova); PubMed 25545067 (cited by Laboratory of Diagnosis and Therapy of Lysosomal Disorders, University of Padova); PubMed 30094185 (cited by Laboratory of Diagnosis and Therapy of Lysosomal Disorders, University of Padova); PubMed 8826435 (cited by Laboratory of Diagnosis and Therapy of Lysosomal Disorders, University of Padova); PubMed 34387910 (cited by Laboratory of Diagnosis and Therapy of Lysosomal Disorders, University of Padova).

NM_000512.5(GALNS):c.280C>T (p.Arg94Cys)

Gene: GALNS (galactosamine (N-acetyl)-6-sulfatase; minus strand). Cytogenetic location: 16q24.3.
Variant type: single nucleotide variant.
Coding change: c.280C>T on transcript NM_000512.5 (MANE Select); coding-DNA position 280, C replaced by T.
Protein change: p.Arg94Cys; replaces arginine 94 with cysteine.
Molecular consequence: missense variant. On other transcripts: 5 prime UTR variant (1).
Genome position (GRCh38, 1-based): chr16:88,841,936, G>A on the plus strand (C>T on the coding strand, the complement: GALNS is on the minus strand). VCF-style: chr16-88841936-G-A. GRCh37 (hg19) VCF-style: chr16-88908344-G-A.
Other names: c.-276C>T (NM_001323543.2); c.298C>T, p.Arg100Cys (NM_001323544.2); short protein forms R94C, R100C.
Identifiers: ClinVar variation 651205 (VCV000651205.17), dbSNP rs118204441, ClinGen allele CA397089244.